The following is an entry in ClinVar:

NM_001042492.3(NF1):c.3572_3573del (p.Thr1191fs)

Gene: NF1 (neurofibromin 1; plus strand). Cytogenetic location: 17q11.2.
Variant type: Microsatellite.
Coding change: c.3572_3573del on transcript NM_001042492.3 (MANE Select); coding-DNA positions 3572 to 3573, 2 bases deleted (CA; older notation c.3572_3573delCA).
Protein change: p.Thr1191fs; shifts the reading frame from threonine 1191.
Molecular consequence: frameshift variant.
Genome position (GRCh38, 1-based): chr17:31,233,077-31,233,078, CA deleted; deleting any 2 consecutive bases within chr17:31,233,075-31,233,078 gives the same sequence; the c. name uses the placement nearest the transcript's 3' end. VCF-style (leftmost placement, unchanged base first): chr17-31233074-GCA-G. GRCh37 (hg19) VCF-style: chr17-29560092-GCA-G.
Other names: c.3570_3571CA[1], p.Thr1191Argfs (NM_000267.4); short protein forms T1191fs.
Identifiers: ClinVar variation 3664875 (VCV003664875.2).

ClinVar aggregate classification (germline): Pathogenic (1 of 4 stars; one submission).

Conditions:
Neurofibromatosis, type 1 (NF1). Also called: VON RECKLINGHAUSEN DISEASE; NEUROFIBROMATOSIS, TYPE I, SOMATIC; Neurofibromatosis, type I; Peripheral type neurofibromatosis. Identifiers: Orphanet 636, MedGen C0027831, MONDO:0018975, OMIM 162200. Disease mechanism: loss of function.

Submission:

Labcorp Genetics (formerly Invitae), Labcorp
Classification: Pathogenic for Neurofibromatosis, type 1. Last evaluated: 2024-09-06. Review status: criteria provided, single submitter. Criteria: Invitae Variant Classification Sherloc (09022015). Collection method: clinical testing. Allele origin: germline.
Comment: This sequence change creates a premature translational stop signal (p.Thr1191Argfs*3) in the NF1 gene. It is expected to result in an absent or disrupted protein product. Loss-of-function variants in NF1 are known to be pathogenic (PMID: 10712197, 23913538). This variant is not present in population databases (gnomAD no frequency). This variant has not been reported in the literature in individuals affected with NF1-related conditions. For these reasons, this variant has been classified as Pathogenic.

Literature cited by the submitters: PubMed 10712197; PubMed 23913538.